The following is an entry in ClinVar:

ClinVar aggregate classification (germline): Uncertain significance (1 of 4 stars; one submission).

Conditions:
Encephalopathy, acute, infection-induced (herpes-specific), susceptibility to, 6. Also called: Herpes simplex encephalitis, susceptibility to, 4. Identifiers: Orphanet 1930, MedGen C3553869, MONDO:0013921, OMIM 614850.

Allele frequency attached by ClinVar (database versions not stated): gnomAD exomes 0.00001; ESP Exome Variant Server 0.00008; TOPMed 0.00002.
gnomAD v4.1: 16 of 1,554,440 alleles (0.001%); highest among the groups gnomAD compares: Non-Finnish European, 0.0013%; no homozygotes.

Submission:

Labcorp Genetics (formerly Invitae), Labcorp
Classification: Uncertain significance for Encephalopathy, acute, infection-induced (herpes-specific), susceptibility to, 6. Last evaluated: 2021-12-19. Review status: criteria provided, single submitter. Criteria: Invitae Variant Classification Sherloc (09022015). Collection method: clinical testing. Allele origin: germline.
Comment: In summary, the available evidence is currently insufficient to determine the role of this variant in disease. Therefore, it has been classified as a Variant of Uncertain Significance. Algorithms developed to predict the effect of missense changes on protein structure and function output the following: SIFT: "Tolerated"; PolyPhen-2: "Possibly Damaging"; Align-GVGD: "Class C0". The serine amino acid residue is found in multiple mammalian species, which suggests that this missense change does not adversely affect protein function. This variant has not been reported in the literature in individuals affected with TICAM1-related conditions. This variant is not present in population databases (gnomAD no frequency). This sequence change replaces proline, which is neutral and non-polar, with serine, which is neutral and polar, at codon 643 of the TICAM1 protein (p.Pro643Ser).

NM_182919.4(TICAM1):c.1927C>T (p.Pro643Ser)

Gene: TICAM1 (TIR domain containing adaptor molecule 1; minus strand). Cytogenetic location: 19p13.3.
Variant type: single nucleotide variant.
Coding change: c.1927C>T on transcript NM_182919.4 (MANE Select); coding-DNA position 1927, C replaced by T.
Protein change: p.Pro643Ser; replaces proline 643 with serine.
Molecular consequence: missense variant.
Genome position (GRCh38, 1-based): chr19:4,816,451, G>A on the plus strand (C>T on the coding strand, the complement: TICAM1 is on the minus strand). VCF-style: chr19-4816451-G-A. GRCh37 (hg19) VCF-style: chr19-4816463-G-A.
Other names: c.1885C>T, p.Pro629Ser (NM_001385678.1); c.1792C>T, p.Pro598Ser (NM_001385679.1); c.1285C>T, p.Pro429Ser (NM_001385680.1); short protein forms P429S, P629S, P598S, P643S.
Identifiers: ClinVar variation 1988521 (VCV001988521.4), dbSNP rs371551573, ClinGen allele CA9105033.
Genomic context (GRCh38, chr19:4,816,451, plus strand): 5'-AGGCTGGGGACTGCGGGAAGGGCAGTGACTGTGGAAAGGCTGCTGGCTGTGGGGAGGGCG[G>A]TGGGGGGGTGCCAGCCTGCCATGCGTGCAGGGGTGGCGGCTGCGGGCACCCCGGCCAAGT-3'
Protein context (NP_891549.1, residues 633-653): LHAWQAGTPP[Pro643Ser]PSPQPAAFPQ